The following is an entry in ClinVar:

NM_018979.4(WNK1):c.4703A>C (p.His1568Pro)

Gene: WNK1 (WNK lysine deficient protein kinase 1; plus strand). Cytogenetic location: 12p13.33.
Variant type: single nucleotide variant.
Coding change: c.4703A>C on transcript NM_018979.4 (MANE Select); coding-DNA position 4703, A replaced by C.
Protein change: p.His1568Pro; replaces histidine 1568 with proline.
Molecular consequence: missense variant.
Genome position (GRCh38, 1-based): chr12:885,507, A>C. VCF-style: chr12-885507-A-C. GRCh37 (hg19) VCF-style: chr12-994673-A-C.
Other names: c.5483A>C, p.His1828Pro (NM_001184985.2); c.3962A>C, p.His1321Pro (NM_014823.3); c.5459A>C, p.His1820Pro (NM_213655.5); short protein forms H1568P, H1820P, H1828P, H1321P.
Identifiers: ClinVar variation 575636 (VCV000575636.14), dbSNP rs776834411, ClinGen allele CA6383020.

ClinVar aggregate classification (germline): Uncertain significance. Review status: criteria provided, multiple submitters, no conflicts (2 of 4 stars). 3 submissions from 3 submitters: Uncertain significance (3). Last evaluated 2026-09-02.

Conditions:
WNK1-related disorder. Also called: WNK1-related condition.
Pseudohypoaldosteronism type 2C (PHA2C). Also called: Pseudohypoaldosteronism Type IIC. Identifiers: Orphanet 757, Orphanet 88940, MedGen C1840391, MONDO:0013778, OMIM 614492.
Neuropathy, hereditary sensory and autonomic, type 2A (HSAN2A). Also called: ACROOSTEOLYSIS, GIACCAI TYPE; ACROOSTEOLYSIS, NEUROGENIC; HSAN IIA; WNK1-Related HSAN2 (HSAN2A); MORVAN DISEASE; NEUROPATHY, CONGENITAL SENSORY. Identifiers: Orphanet 970, MedGen C2752089, MONDO:0024309, OMIM 201300.

Allele frequency attached by ClinVar (database versions not stated): gnomAD exomes below 0.00001 and 0.00001; ExAC 0.00001; gnomAD 0.00005; TOPMed 0.00006.
gnomAD v4.1: 11 of 1,613,948 alleles (0.00068%); highest among the groups gnomAD compares: African/African-American, 0.013%; no homozygotes.

Submissions (3):

PreventionGenetics, part of Exact Sciences
Classification: Uncertain significance for WNK1-related condition. Last evaluated: 2026-09-02. Review status: criteria provided, single submitter. Criteria: ACMG Guidelines, 2015. Collection method: clinical testing. Allele origin: germline.
Comment: The WNK1 c.4703A>C variant is predicted to result in the amino acid substitution p.His1568Pro. To our knowledge, this variant has not been reported in the literature. This variant is reported in 0.018% of alleles in individuals of African descent in gnomAD. At this time, the clinical significance of this variant is uncertain due to the absence of conclusive functional and genetic evidence.

Revvity Omics, Revvity
Classification: Uncertain significance. Last evaluated: 2019-08-28. Review status: criteria provided, single submitter. Criteria: ACMG Guidelines, 2015. Collection method: clinical testing. Allele origin: germline.

Labcorp Genetics (formerly Invitae), Labcorp
Classification: Uncertain significance for Neuropathy, hereditary sensory and autonomic, type 2A; Pseudohypoaldosteronism type 2C. Last evaluated: 2019-05-30. Review status: criteria provided, single submitter. Criteria: Invitae Variant Classification Sherloc (09022015). Collection method: clinical testing. Allele origin: germline.
Comment: This variant is present in population databases (rs776834411, ExAC 0.01%). In summary, the available evidence is currently insufficient to determine the role of this variant in disease. Therefore, it has been classified as a Variant of Uncertain Significance. Algorithms developed to predict the effect of missense changes on protein structure and function do not agree on the potential impact of this missense change (SIFT: "Deleterious"; PolyPhen-2: "Benign"; Align-GVGD: "Class C65"). This variant has not been reported in the literature in individuals with WNK1-related disease. This sequence change replaces histidine with proline at codon 1568 of the WNK1 protein (p.His1568Pro). The histidine residue is highly conserved and there is a moderate physicochemical difference between histidine and proline.